The following is an entry in ClinVar:

ClinVar aggregate classification (germline): Uncertain significance (1 of 4 stars; one submission).

Submission:

CeGaT Center for Human Genetics Tuebingen
Classification: Uncertain significance. Last evaluated: 2023-10-01. Review status: criteria provided, single submitter. Criteria: CeGaT Center For Human Genetics Tuebingen Variant Classification Criteria Version 2. Collection method: clinical testing. Allele origin: germline. Affected: yes. Observed: 1 variant allele.
Comment: STARD8: PM2, BP4

NM_001142503.3(STARD8):c.1403C>A (p.Ala468Asp)

Gene: STARD8 (StAR related lipid transfer domain containing 8; plus strand). Cytogenetic location: Xq13.1.
Variant type: single nucleotide variant.
Coding change: c.1403C>A on transcript NM_001142503.3 (MANE Select); coding-DNA position 1403, C replaced by A.
Protein change: p.Ala468Asp; replaces alanine 468 with aspartic acid.
Molecular consequence: missense variant.
Genome position (GRCh38, 1-based): chrX:68,718,317, C>A. VCF-style: chrX-68718317-C-A. GRCh37 (hg19) VCF-style: chrX-67938159-C-A.
Other names: c.1163C>A, p.Ala388Asp (NM_001142504.3, NM_014725.5); short protein forms A388D, A468D.
Identifiers: ClinVar variation 2660788 (VCV002660788.24), dbSNP rs2519925162, ClinGen allele CA413338146.